The following is an entry in ClinVar:

NM_018671.5(UNC45A):c.23C>T (p.Thr8Ile)

Genes: UNC45A (unc-45 myosin chaperone A; plus strand), LOC130057954 (ATAC-STARR-seq lymphoblastoid silent region 6833; plus strand). Cytogenetic location: 15q26.1.
Variant type: single nucleotide variant.
Coding change: c.23C>T on transcript NM_018671.5 (MANE Select); coding-DNA position 23, C replaced by T.
Protein change: p.Thr8Ile; replaces threonine 8 with isoleucine.
Molecular consequence: missense variant. On other transcripts: 5 prime UTR variant (1), intron variant (2).
Genome position (GRCh38, 1-based): chr15:90,935,347, C>T. VCF-style: chr15-90935347-C-T. GRCh37 (hg19) VCF-style: chr15-91478577-C-T.
Other names: c.23C>T, p.Thr8Ile (NM_001323619.1); c.-561C>T (NM_001323620.2); c.6+17C>T (NM_001039675.2, NM_001323621.2); short protein forms T8I.
Identifiers: ClinVar variation 1394818 (VCV001394818.4), dbSNP rs771080947, ClinGen allele CA7742374.
Genomic context (GRCh38, chr15:90,935,347, plus strand): 5'-AGACTGCGCCTGCGCGGGCACGAGACAACCTCTCCGCGATGACTGTGAGTGGTCCAGGGA[C>T]CCCCGAGCCCCGGCCGGCCACCCCCGGGGTGCGTACCCAACCCCCGCGCCATCACCCCTT-3'
Protein context (NP_061141.2, residues 1-18): MTVSGPG[Thr8Ile]PEPRPATPGA

ClinVar aggregate classification (germline): Uncertain significance (1 of 4 stars; one submission).

Allele frequency attached by ClinVar (database versions not stated): gnomAD exomes 0.00001 and 0.00002; TOPMed 0.00002; gnomAD 0.00003 and 0.00004; ExAC 0.00004.
gnomAD v4.1: 24 of 1,603,336 alleles (0.0015%); highest among the groups gnomAD compares: Non-Finnish European, 0.002%; no homozygotes.

Submission:

Labcorp Genetics (formerly Invitae), Labcorp
Classification: Uncertain significance. Last evaluated: 2021-11-18. Review status: criteria provided, single submitter. Criteria: Invitae Variant Classification Sherloc (09022015). Collection method: clinical testing. Allele origin: germline.
Comment: In summary, the available evidence is currently insufficient to determine the role of this variant in disease. Therefore, it has been classified as a Variant of Uncertain Significance. Algorithms developed to predict the effect of missense changes on protein structure and function output the following: SIFT: "Not Available"; PolyPhen-2: "Benign"; Align-GVGD: "Not Available". The isoleucine amino acid residue is found in multiple mammalian species, which suggests that this missense change does not adversely affect protein function. This variant has not been reported in the literature in individuals affected with UNC45A-related conditions. This variant is present in population databases (rs771080947, gnomAD 0.005%). This sequence change replaces threonine, which is neutral and polar, with isoleucine, which is neutral and non-polar, at codon 8 of the UNC45A protein (p.Thr8Ile).